The following is an entry in ClinVar:

ClinVar aggregate classification (germline): Pathogenic/Likely pathogenic. Review status: criteria provided, multiple submitters, no conflicts (2 of 4 stars). 15 submissions from 15 submitters: Pathogenic (13); Likely pathogenic (1). 1 of the submissions does not count toward it. Last evaluated 2025-07-30.

Conditions:
RAD51C-related disorder. Also called: RAD51C-related condition; RAD51C-related disorders.
Breast-ovarian cancer, familial, susceptibility to, 3. Also called: RAD51C-Related Breast/Ovarian Cancer. Identifiers: Orphanet 145, MedGen C3150659, MONDO:0013253, OMIM 613399.
Fanconi anemia complementation group O. Also called: RAD51C-Related Fanconi Anemia. Identifiers: Orphanet 84, MedGen C3150653, MONDO:0013248, OMIM 613390.
Hereditary cancer-predisposing syndrome. Also called: Neoplastic Syndromes, Hereditary; Tumor predisposition; Hereditary Cancer Syndrome; Hereditary neoplastic syndrome. Identifiers: Orphanet 140162, MedGen C0027672, MeSH D009386, MONDO:0015356.
Hereditary breast ovarian cancer syndrome. Also called: Hereditary breast and ovarian cancer; Hereditary breast and ovarian cancer syndrome (HBOC); Breast and ovarian cancer; BRCA1- and BRCA2-Associated Hereditary Breast and Ovarian Cancer; Hereditary breast and/or ovarian cancer syndrome; Hereditary breast and ovarian cancer syndrome. Identifiers: Orphanet 145, MedGen C0677776, MeSH D061325, MONDO:0003582. Disease mechanism: loss of function.

Allele frequency attached by ClinVar (database versions not stated): gnomAD exomes below 0.00001; gnomAD 0.00001.
gnomAD v4.1: 2 of 1,612,736 alleles (0.00012%); highest among the groups gnomAD compares: African/African-American, 0.0027%; no homozygotes.

Submissions (15):

Labcorp Genetics (formerly Invitae), Labcorp
Classification: Pathogenic for Fanconi anemia complementation group O. Last evaluated: 2025-07-30. Review status: criteria provided, single submitter. Criteria: Invitae Variant Classification Sherloc (09022015). Collection method: clinical testing. Allele origin: germline.
Comment: This sequence change creates a premature translational stop signal (p.Trp305*) in the RAD51C gene. It is expected to result in an absent or disrupted protein product. Loss-of-function variants in RAD51C are known to be pathogenic (PMID: 20400964, 21990120, 24800917, 29278735). This variant is present in population databases (no rsID available, gnomAD no frequency). This variant has not been reported in the literature in individuals affected with RAD51C-related conditions. ClinVar contains an entry for this variant (Variation ID: 232614). RNA analysis performed to evaluate the impact of this premature translational stop signal on mRNA splicing indicates it does not significantly alter splicing (internal data). For these reasons, this variant has been classified as Pathogenic.

PreventionGenetics, part of Exact Sciences
Classification: Pathogenic for RAD51C-related condition. Last evaluated: 2025-05-06. Review status: criteria provided, single submitter. Criteria: ACMG Guidelines, 2015. Collection method: clinical testing. Allele origin: germline.
Comment: The RAD51C c.914G>A variant is predicted to result in premature protein termination (p.Trp305*). This variant has been reported in individuals with ovarian cancer (Supplemental Table 1, Carter et al. 2018. PubMed ID: 30322717) and breast cancer (Supplementary Table 3, Palmer et al. 2020. PubMed ID: 32427313; Table 1, Bagherzadeh et al. 2020. PubMed ID: 32809180). This variant is reported in 0.011% of alleles in individuals of African descent in gnomAD and is interpreted as pathogenic/likely pathogenic in ClinVar. Nonsense variants in RAD51C are expected to be pathogenic (Meindl et al. 2010. PubMed ID: 20400964). This variant is interpreted as pathogenic.

Institute for Biomarker Research, Medical Diagnostic Laboratories, L.L.C.
Classification: Pathogenic for Hereditary breast ovarian cancer syndrome. Last evaluated: 2025-04-18. Review status: criteria provided, single submitter. Criteria: ACMG Guidelines, 2015. Collection method: clinical testing. Allele origin: germline.
Comment: The stop gained NM_058216.3(RAD51C):c.914G>A (p.Trp305Ter) has been reported to ClinVar as Pathogenic/Likely pathogenic with a status of (2 stars) criteria provided, multiple submitters, no conflicts (Variation ID 232614 as of 2025-04-03). This variant is predicted to cause loss of normal protein function through protein truncation. This variant is a stop gained variant which occurs in an exon of RAD51C upstream of where nonsense mediated decay is predicted to occur. This variant has been previously classified as pathogenic, indicating that the region is critical to protein function. This indicates that the region is critical to protein function. The p.Trp305Ter variant is a loss of function variant in the gene RAD51C, which is intolerant of Loss of Function variants, as indicated by the presence of existing pathogenic loss of function variant NP_478123.1:p.M1Vfs*4 and 214 others. For these reasons, this variant has been classified as Pathogenic.

Color Diagnostics, LLC DBA Color Health
Classification: Pathogenic for Hereditary cancer-predisposing syndrome. Last evaluated: 2025-01-07. Review status: criteria provided, single submitter. Criteria: ACMG Guidelines, 2015. Collection method: clinical testing. Allele origin: germline.
Comment: This variant changes 1 nucleotide in exon 7 of the RAD51C gene, creating a premature translation stop signal. This variant is expected to result in an absent or non-functional protein product. This variant has been reported in an individual affected with ovarian cancer (PMID: 30322717). This variant has been identified in 1/31390 chromosomes in the general population by the Genome Aggregation Database (gnomAD). Loss of RAD51C function is a known mechanism of disease. Based on the available evidence, this variant is classified as Pathogenic.

Fulgent Genetics
Classification: Likely pathogenic for Fanconi anemia complementation group O; Breast-ovarian cancer, familial, susceptibility to, 3. Last evaluated: 2024-03-06. Review status: criteria provided, single submitter. Criteria: ACMG Guidelines, 2015. Collection method: clinical testing. Allele origin: germline.

Baylor Genetics
Classification: Pathogenic for Breast-ovarian cancer, familial, susceptibility to, 3. Last evaluated: 2023-09-20. Review status: criteria provided, single submitter. Criteria: ACMG Guidelines, 2015. Collection method: clinical testing. Allele origin: unknown.

Ambry Genetics
Classification: Pathogenic for Hereditary cancer-predisposing syndrome. Last evaluated: 2023-09-08. Review status: criteria provided, single submitter. Criteria: Ambry Variant Classification Scheme 2023. Collection method: clinical testing. Allele origin: germline.
Comment: The p.W305* pathogenic mutation (also known as c.914G>A), located in coding exon 7 of the RAD51C gene, results from a G to A substitution at nucleotide position 914. This changes the amino acid from a tryptophan to a stop codon within coding exon 7. This alteration is expected to result in loss of function by premature protein truncation or nonsense-mediated mRNA decay. As such, this alteration is interpreted as a disease-causing mutation.

Myriad Genetics, Inc.
Classification: Pathogenic for Breast-ovarian cancer, familial, susceptibility to, 3. Last evaluated: 2023-04-05. Review status: criteria provided, single submitter. Criteria: Myriad Autosomal Dominant, Autosomal Recessive and X-Linked Classification Criteria (2023). Collection method: clinical testing. Allele origin: unknown.
Comment: This variant is considered pathogenic. This variant creates a termination codon and is predicted to result in premature protein truncation.

Greenwood Genetic Center Diagnostic Laboratories, Greenwood Genetic Center
Classification: Pathogenic for Breast-ovarian cancer, familial, susceptibility to, 3. Last evaluated: 2022-01-28. Review status: criteria provided, single submitter. Criteria: ACMG Guidelines, 2015. Collection method: clinical testing. Allele origin: germline.
Comment: PVS1, PM2, PS4_Supporting

Sema4
Classification: Pathogenic for Hereditary cancer-predisposing syndrome. Last evaluated: 2021-07-27. Review status: criteria provided, single submitter. Criteria: Sema4 Curation Guidelines. Collection method: curation. Allele origin: germline.
Comment: The RAD51C c.914G>A (p.W305X) variant has been reported in heterozygosity in at least one individual with ovarian cancer and one with breast cancer (PMID: 30322717, 32809180). This nonsense variant creates a premature stop codon at residue 305 of the RAD51C protein. At this location, this is predicted to result in absent protein (loss of function). Loss of function variants in RAD51C are known to be pathogenic (PMID: 20400964). This variant was observed in 1/8712 chromosomes in the African/African American population according to the Genome Aggregation Database (PMID: 32461654). This variant has been reported in ClinVar (Variation ID: 23614). Based on the current evidence available, this variant is interpreted as pathogenic.

Department of Pathology and Laboratory Medicine, Sinai Health System
Classification: Pathogenic for Fanconi anemia complementation group O; Breast-ovarian cancer, familial, susceptibility to, 3. Last evaluated: 2020-11-03. Review status: criteria provided, single submitter. Criteria: ACMG Guidelines, 2015. Collection method: clinical testing. Allele origin: germline. Affected: yes.

Quest Diagnostics Nichols Institute San Juan Capistrano
Classification: Pathogenic. Last evaluated: 2019-06-04. Review status: criteria provided, single submitter. Criteria: Quest Diagnostics criteria. Collection method: clinical testing. Allele origin: germline.
Comment: The variant creates a premature nonsense codon, and is therefore predicted to result in the loss of a functional protein. Found in at least one symptomatic patient, and found in general population data that is consistent with pathogenicity.

Revvity Omics, Revvity
Classification: Pathogenic for Fanconi anemia complementation group O. Last evaluated: 2019-03-14. Review status: criteria provided, single submitter. Criteria: ACMG Guidelines, 2015. Collection method: clinical testing. Allele origin: germline.

GeneDx
Classification: Pathogenic. Last evaluated: 2017-09-28. Review status: criteria provided, single submitter. Criteria: GeneDx Variant Classification (06012015). Collection method: clinical testing. Allele origin: germline. Affected: yes.
Comment: This variant is denoted RAD51C c.914G>A at the cDNA level and p.Trp305Ter (W305X) at the protein level. The substitution creates a nonsense variant, which changes a Tryptophan to a premature stop codon (TGG>TAG), and is predicted to cause loss of normal protein function through either protein truncation or nonsense-mediated mRNA decay. Although this variant has not, to our knowledge, been reported in the literature, it is considered pathogenic.

Counsyl
Classification: Likely pathogenic for Fanconi anemia complementation group O; Breast-ovarian cancer, familial, susceptibility to, 3. Last evaluated: 2017-06-13. Review status: no assertion criteria provided. Collection method: clinical testing. Allele origin: unknown. Not counted in ClinVar's aggregate classification.

Literature cited by the submitters: PubMed 20400964 (cited by Labcorp Genetics (formerly Invitae), Labcorp and Sema4); PubMed 21990120 (cited by Labcorp Genetics (formerly Invitae), Labcorp); PubMed 24800917 (cited by Labcorp Genetics (formerly Invitae), Labcorp); PubMed 29278735 (cited by Labcorp Genetics (formerly Invitae), Labcorp); PubMed 30322717 (cited by 4 submitters); PubMed 32809180 (cited by Sema4).

NM_058216.3(RAD51C):c.914G>A (p.Trp305Ter)

Gene: RAD51C (RAD51 paralog C; plus strand). Cytogenetic location: 17q22.
Variant type: single nucleotide variant.
Coding change: c.914G>A on transcript NM_058216.3 (MANE Select); coding-DNA position 914, G replaced by A.
Protein change: p.Trp305Ter; replaces tryptophan 305 with a stop codon.
Molecular consequence: nonsense. On other transcripts: non-coding transcript variant (1).
Genome position (GRCh38, 1-based): chr17:58,724,049, G>A. VCF-style: chr17-58724049-G-A. GRCh37 (hg19) VCF-style: chr17-56801410-G-A.
Other names: short protein forms W305*.
Identifiers: ClinVar variation 232614 (VCV000232614.36), dbSNP rs8766588714, ClinGen allele CA10580757.